The following is an entry in ClinVar:

NM_001105247.2(ARMC5):c.1563C>T (p.Arg521=)

Gene: ARMC5 (armadillo repeat containing 5; plus strand). Cytogenetic location: 16p11.2.
Variant type: single nucleotide variant.
Coding change: c.1563C>T on transcript NM_001105247.2 (MANE Select); coding-DNA position 1563, C replaced by T.
Protein change: p.Arg521=; no amino-acid change (arginine 521 retained).
Molecular consequence: synonymous variant.
Genome position (GRCh38, 1-based): chr16:31,464,586, C>T. VCF-style: chr16-31464586-C-T. GRCh37 (hg19) VCF-style: chr16-31475907-C-T.
Other names: c.1848C>T, p.Arg616= (NM_001288767.2); c.1659C>T, p.Arg553= (NM_001301820.1); c.1563C>T, p.Arg521= (NM_024742.2); c.1848C>T (NM_001288767.1).
Identifiers: ClinVar variation 730316 (VCV000730316.4), dbSNP rs565385825, ClinGen allele CA8029726.

ClinVar aggregate classification (germline): Likely benign. Review status: criteria provided, multiple submitters, no conflicts (2 of 4 stars). 2 submissions from 2 submitters: Likely benign (2). Last evaluated 2025-05-08.

Conditions:
ARMC5-related disorder. Also called: ARMC5-related condition.

Allele frequency attached by ClinVar (database versions not stated): ExAC 0.00002; gnomAD 0.00002 and 0.00003; gnomAD exomes 0.00003; TOPMed 0.00004; 1000 Genomes Project 30x 0.00016; 1000 Genomes Project 0.00020.
gnomAD v4.1: 60 of 1,585,046 alleles (0.0038%); highest among the groups gnomAD compares: Non-Finnish European, 0.0047%; no homozygotes.

Submissions (2):

PreventionGenetics, part of Exact Sciences
Classification: Likely benign for ARMC5-related condition. Last evaluated: 2025-05-08. Review status: criteria provided, single submitter. Criteria: ACMG Guidelines, 2015. Collection method: clinical testing. Allele origin: germline.
Comment: This variant is classified as likely benign based on ACMG/AMP sequence variant interpretation guidelines (Richards et al. 2015 PMID: 25741868, with internal and published modifications).

Labcorp Genetics (formerly Invitae), Labcorp
Classification: Likely benign. Last evaluated: 2017-11-14. Review status: criteria provided, single submitter. Criteria: Invitae Variant Classification Sherloc (09022015). Collection method: clinical testing. Allele origin: germline.